The following is an entry in ClinVar:

NM_004667.6(HERC2):c.13736T>C (p.Phe4579Ser)

Gene: HERC2 (HECT and RLD domain containing E3 ubiquitin protein ligase 2; minus strand). Cytogenetic location: 15q13.1.
Variant type: single nucleotide variant.
Coding change: c.13736T>C on transcript NM_004667.6 (MANE Select); coding-DNA position 13736, T replaced by C.
Protein change: p.Phe4579Ser; replaces phenylalanine 4579 with serine.
Molecular consequence: missense variant.
Genome position (GRCh38, 1-based): chr15:28,114,789, A>G on the plus strand (T>C on the coding strand, the complement: HERC2 is on the minus strand). VCF-style: chr15-28114789-A-G. GRCh37 (hg19) VCF-style: chr15-28359935-A-G.
Other names: short protein forms F4579S.
Identifiers: ClinVar variation 4278720 (VCV004278720.1).

ClinVar aggregate classification (germline): Uncertain significance (1 of 4 stars; one submission).

Submission:

GeneDx
Classification: Uncertain significance. Last evaluated: 2025-03-28. Review status: criteria provided, single submitter. Criteria: GeneDx Variant Classification Process June 2021. Collection method: clinical testing. Allele origin: germline. Affected: yes.
Comment: Not observed at significant frequency in large population cohorts (gnomAD); In silico analysis supports that this missense variant has a deleterious effect on protein structure/function; Has not been previously published as pathogenic or benign to our knowledge